The following is an entry in ClinVar:

ClinVar aggregate classification (germline): Uncertain significance. Review status: criteria provided, multiple submitters, no conflicts (2 of 4 stars). 2 submissions from 2 submitters: Uncertain significance (2). Last evaluated 2024-09-25.

Conditions:
FN1-related disorder. Also called: FN1-related condition.
Inborn genetic diseases. Identifiers: MedGen C0950123, MeSH D030342.

Allele frequency attached by ClinVar (database versions not stated): gnomAD 0.00001; TOPMed 0.00003.
gnomAD v4.1: 4 of 1,613,908 alleles (0.00025%); highest among the groups gnomAD compares: African/African-American, 0.0027%; no homozygotes.

Submissions (2):

Ambry Genetics
Classification: Uncertain significance for Inborn genetic diseases. Last evaluated: 2024-09-25. Review status: criteria provided, single submitter. Criteria: Ambry Variant Classification Scheme 2023. Collection method: clinical testing. Allele origin: germline.

PreventionGenetics, part of Exact Sciences
Classification: Uncertain significance for FN1-related condition. Last evaluated: 2022-09-14. Review status: criteria provided, single submitter. Criteria: ACMG Guidelines, 2015. Collection method: clinical testing. Allele origin: germline.
Comment: The FN1 c.4452T>A variant is predicted to result in the amino acid substitution p.His1484Gln. To our knowledge, this variant has not been reported in the literature or in a large population database, indicating this variant is rare. At this time, the clinical significance of this variant is uncertain due to the absence of conclusive functional and genetic evidence.

NM_212482.4(FN1):c.4452T>A (p.His1484Gln)

Gene: FN1 (fibronectin 1; minus strand). Cytogenetic location: 2q35.
Variant type: single nucleotide variant.
Coding change: c.4452T>A on transcript NM_212482.4 (MANE Select); coding-DNA position 4452, T replaced by A.
Protein change: p.His1484Gln; replaces histidine 1484 with glutamine.
Molecular consequence: missense variant.
Genome position (GRCh38, 1-based): chr2:215,386,849, A>T on the plus strand (T>A on the coding strand, the complement: FN1 is on the minus strand). VCF-style: chr2-215386849-A-T. GRCh37 (hg19) VCF-style: chr2-216251572-A-T.
Other names: c.4452T>A, p.His1484Gln (NM_001306129.2, NM_001306130.2, NM_001365517.2 and 3 more transcripts); c.4179T>A, p.His1393Gln (NM_001306131.2, NM_001306132.2, NM_001365518.2 and 7 more transcripts); c.4452T>A (NM_212482.1); short protein forms H1393Q, H1484Q.
Identifiers: ClinVar variation 2636484 (VCV002636484.2), dbSNP rs753615379, ClinGen allele CA64858983.